The following is an entry in ClinVar:

ClinVar aggregate classification (germline): Uncertain significance (1 of 4 stars; one submission).

Conditions:
Dyskeratosis congenita. Identifiers: Orphanet 1775, MedGen C0265965, MONDO:0015780.

Submission:

Ambry Genetics
Classification: Uncertain significance for Dyskeratosis congenita. Last evaluated: 2026-05-24. Review status: criteria provided, single submitter. Criteria: Ambry Variant Classification Scheme 2023. Collection method: clinical testing. Allele origin: germline.
Comment: The p.T1098A variant (also known as c.3292A>G), located in coding exon 15 of the TERT gene, results from an A to G substitution at nucleotide position 3292. The threonine at codon 1098 is replaced by alanine, an amino acid with similar properties. This amino acid position is conserved. In addition, this alteration is predicted to be tolerated by in silico analysis. Based on the available evidence, the clinical significance of this variant remains unclear.

NM_198253.3(TERT):c.3292A>G (p.Thr1098Ala)

Gene: TERT (telomerase reverse transcriptase; minus strand). Cytogenetic location: 5p15.33.
Variant type: single nucleotide variant.
Coding change: c.3292A>G on transcript NM_198253.3 (MANE Select); coding-DNA position 3292, A replaced by G.
Protein change: p.Thr1098Ala; replaces threonine 1098 with alanine.
Molecular consequence: missense variant. On other transcripts: non-coding transcript variant (2).
Genome position (GRCh38, 1-based): chr5:1,254,371, T>C on the plus strand (A>G on the coding strand, the complement: TERT is on the minus strand). VCF-style: chr5-1254371-T-C. GRCh37 (hg19) VCF-style: chr5-1254486-T-C.
Other names: c.3103A>G, p.Thr1035Ala (NM_001193376.3); short protein forms T1035A, T1098A.
Identifiers: ClinVar variation 4865486 (VCV004865486.1).